The following is an entry in ClinVar:

NM_000059.4(BRCA2):c.6841+2T>A

Gene: BRCA2 (BRCA2 DNA repair associated; plus strand). Cytogenetic location: 13q13.1.
Variant type: single nucleotide variant.
Coding change: c.6841+2T>A on transcript NM_000059.4 (MANE Select); the canonical splice donor site of the intron after coding-DNA position 6841, T replaced by A.
Molecular consequence: splice donor variant. On other transcripts: intron variant (2).
Genome position (GRCh38, 1-based): chr13:32,341,198, T>A. VCF-style: chr13-32341198-T-A. GRCh37 (hg19) VCF-style: chr13-32915335-T-A.
Other names: c.6841+2T>A (NM_001432077.1, NM_001406720.1, NM_001406719.1); c.1910-3360T>A (NM_001406721.1); c.425-3360T>A (NM_001406722.1).
Identifiers: ClinVar variation 3482038 (VCV003482038.3).

ClinVar aggregate classification (germline): Likely pathogenic. Review status: criteria provided, multiple submitters, no conflicts (2 of 4 stars). 2 submissions from 2 submitters: Likely pathogenic (2). Last evaluated 2024-08-12.

Conditions:
Hereditary cancer-predisposing syndrome. Also called: Tumor predisposition; Neoplastic Syndromes, Hereditary; Hereditary Cancer Syndrome; Hereditary neoplastic syndrome. Identifiers: Orphanet 140162, MedGen C0027672, MeSH D009386, MONDO:0015356.
Hereditary breast ovarian cancer syndrome. Also called: Hereditary breast and ovarian cancer; Breast and ovarian cancer; Hereditary breast and/or ovarian cancer syndrome; Hereditary breast and ovarian cancer syndrome; BRCA1- and BRCA2-Associated Hereditary Breast and Ovarian Cancer; Hereditary breast and ovarian cancer syndrome (HBOC). Identifiers: Orphanet 145, MedGen C0677776, MeSH D061325, MONDO:0003582. Disease mechanism: loss of function.

Submissions (2):

Ambry Genetics
Classification: Likely pathogenic for Hereditary cancer-predisposing syndrome. Last evaluated: 2024-08-12. Review status: criteria provided, single submitter. Criteria: Ambry Variant Classification Scheme 2023. Collection method: clinical testing. Allele origin: germline.
Comment: The c.6841+2T>A intronic variant results from a T to A substitution two nucleotides after coding exon 10 in the BRCA2 gene. Alterations that disrupt the canonical splice site are expected to result in aberrant splicing. In silico splice site analysis predicts that this alteration will weaken the native splice donor site. The resulting transcript is predicted to be in-frame and is not expected to trigger nonsense-mediated mRNAdecay; however, direct evidence is unavailable. The exact functional effect of the altered amino acid sequence is unknown; however, a significant portion of the protein is affected (Ambry internal data). This variant is considered to be rare based on population cohorts in the Genome Aggregation Database (gnomAD). This nucleotide position is highly conserved in available vertebrate species. Based on the majority of available evidence to date, this variant is likely to be pathogenic.

Labcorp Genetics (formerly Invitae), Labcorp
Classification: Likely pathogenic for Hereditary breast ovarian cancer syndrome. Last evaluated: 2024-04-17. Review status: criteria provided, single submitter. Criteria: Invitae Variant Classification Sherloc (09022015). Collection method: clinical testing. Allele origin: germline.
Comment: This sequence change affects a donor splice site in intron 11 of the BRCA2 gene. It is expected to disrupt RNA splicing. Variants that disrupt the donor or acceptor splice site typically lead to a loss of protein function (PMID: 16199547), and loss-of-function variants in BRCA2 are known to be pathogenic (PMID: 20104584). This variant is not present in population databases (gnomAD no frequency). This variant has not been reported in the literature in individuals affected with BRCA2-related conditions. Algorithms developed to predict the effect of sequence changes on RNA splicing suggest that this variant may disrupt the consensus splice site. In summary, the currently available evidence indicates that the variant is pathogenic, but additional data are needed to prove that conclusively. Therefore, this variant has been classified as Likely Pathogenic.

Literature cited by the submitters: PubMed 16199547 (cited by Labcorp Genetics (formerly Invitae), Labcorp); PubMed 20104584 (cited by Labcorp Genetics (formerly Invitae), Labcorp).